The following is an entry in ClinVar:

ClinVar aggregate classification (germline): Benign/Likely benign. Review status: criteria provided, multiple submitters, no conflicts (2 of 4 stars). 7 submissions from 7 submitters: Benign (1); Likely benign (3). 3 of the submissions do not count toward it. Last evaluated 2026-02-17.

Conditions:
CACNA1D-related disorder.

Allele frequency attached by ClinVar (database versions not stated): gnomAD exomes 0.00008 and 0.00055; ESP Exome Variant Server 0.00015; gnomAD 0.00023 and 0.00025; TOPMed 0.00028; ExAC 0.00040.
gnomAD v4.1: 165 of 1,612,406 alleles (0.01%); highest among the groups gnomAD compares: East Asian, 0.26%; 2 homozygotes.

Submissions (7):

Women's Health and Genetics/Laboratory Corporation of America, LabCorp
Classification: Likely benign. Last evaluated: 2026-02-17. Review status: criteria provided, single submitter. Criteria: LabCorp Variant Classification Summary - May 2015. Collection method: clinical testing. Allele origin: germline.
Comment: Variant summary: CACNA1D c.3914C>T (p.Ala1305Val) results in a non-conservative amino acid change in the encoded protein sequence. Algorithms developed to predict the effect of missense changes on protein structure and function all suggest that this variant is likely to be disruptive. The variant allele was found at a frequency of 0.00055 in 251480 control chromosomes in the gnomAD database, predominantly at a frequency of 0.0067 within the East Asian subpopulation in the gnomAD database, including 1 homozygote. The observed variant frequency within East Asian control individuals in the gnomAD database exceeds the estimated maximal expected allele frequency for disease-causing variants in CACNA1D. To our knowledge, c.3914C>T has not been observed in individual(s) affected with Sinoatrial Node Dysfunction And Deafness and no experimental evidence demonstrating an impact on protein function has been reported. ClinVar contains an entry for this variant (Variation ID: 732287). Based on the evidence outlined above, the variant was classified as likely benign.

Labcorp Genetics (formerly Invitae), Labcorp
Classification: Likely benign. Last evaluated: 2026-01-05. Review status: criteria provided, single submitter. Criteria: Invitae Variant Classification Sherloc (09022015). Collection method: clinical testing. Allele origin: germline.

Blueprint Genetics
Classification: Likely benign. Last evaluated: 2024-11-25. Review status: criteria provided, single submitter. Criteria: ACMG Guidelines, 2015. Collection method: clinical testing. Allele origin: germline.

GeneDx
Classification: Benign. Last evaluated: 2019-12-30. Review status: criteria provided, single submitter. Criteria: GeneDx Variant Classification Process June 2021. Collection method: clinical testing. Allele origin: germline. Affected: yes.

PreventionGenetics, part of Exact Sciences
Classification: Likely benign for CACNA1D-related condition. Last evaluated: 2019-02-27. Review status: no assertion criteria provided. Collection method: clinical testing. Allele origin: germline. Not counted in ClinVar's aggregate classification.
Comment: This variant is classified as likely benign based on ACMG/AMP sequence variant interpretation guidelines (Richards et al. 2015 PMID: 25741868, with internal and published modifications).

Clinical Genetics DNA and cytogenetics Diagnostics Lab, Erasmus MC, Erasmus Medical Center
Classification: Likely benign. Review status: no assertion criteria provided. Collection method: clinical testing. Allele origin: germline. Affected: yes. Study: VKGL Data-share Consensus. Not counted in ClinVar's aggregate classification.

Clinical Genetics, Academic Medical Center
Classification: Likely benign. Review status: no assertion criteria provided. Collection method: clinical testing. Allele origin: germline. Affected: yes. Study: VKGL Data-share Consensus. Not counted in ClinVar's aggregate classification.

Literature cited by the submitters: PubMed 28222800 (cited by Women's Health and Genetics/Laboratory Corporation of America, LabCorp); PubMed 34279234 (cited by Women's Health and Genetics/Laboratory Corporation of America, LabCorp).

NM_001128840.3(CACNA1D):c.3854C>T (p.Ala1285Val)

Gene: CACNA1D (calcium voltage-gated channel subunit alpha1 D; plus strand). Cytogenetic location: 3p21.1.
Variant type: single nucleotide variant.
Coding change: c.3854C>T on transcript NM_001128840.3 (MANE Select); coding-DNA position 3854, C replaced by T.
Protein change: p.Ala1285Val; replaces alanine 1285 with valine.
Molecular consequence: missense variant.
Genome position (GRCh38, 1-based): chr3:53,762,065, C>T. VCF-style: chr3-53762065-C-T. GRCh37 (hg19) VCF-style: chr3-53796092-C-T.
Other names: c.3914C>T, p.Ala1305Val (NM_000720.4); c.3854C>T, p.Ala1285Val (NM_001128839.3); short protein forms A1285V, A1305V.
Identifiers: ClinVar variation 732287 (VCV000732287.16), dbSNP rs371512946, ClinGen allele CA2454700.